The following is an entry in ClinVar:

ClinVar aggregate classification (germline): Uncertain significance. Review status: criteria provided, multiple submitters, no conflicts (2 of 4 stars). 2 submissions from 2 submitters: Uncertain significance (2). Last evaluated 2024-06-16.

Conditions:
Hereditary cancer-predisposing syndrome. Also called: Neoplastic Syndromes, Hereditary; Tumor predisposition; Hereditary neoplastic syndrome; Hereditary Cancer Syndrome. Identifiers: Orphanet 140162, MedGen C0027672, MeSH D009386, MONDO:0015356.
Neuroblastoma, susceptibility to, 3. Also called: ALK-Related Neuroblastic Tumor Susceptibility. Identifiers: Orphanet 635, MedGen C2751681, MONDO:0013083, OMIM 613014.

Submissions (2):

Ambry Genetics
Classification: Uncertain significance for Hereditary cancer-predisposing syndrome. Last evaluated: 2024-06-16. Review status: criteria provided, single submitter. Criteria: Ambry Variant Classification Scheme 2023. Collection method: clinical testing. Allele origin: germline.
Comment: The p.K383T variant (also known as c.1148A>C), located in coding exon 4 of the ALK gene, results from an A to C substitution at nucleotide position 1148. The lysine at codon 383 is replaced by threonine, an amino acid with similar properties. This amino acid position is conserved. In addition, this alteration is predicted to be tolerated by in silico analysis. Based on the available evidence, the clinical significance of this variant remains unclear.

Labcorp Genetics (formerly Invitae), Labcorp
Classification: Uncertain significance for Neuroblastoma, susceptibility to, 3. Last evaluated: 2023-01-26. Review status: criteria provided, single submitter. Criteria: Invitae Variant Classification Sherloc (09022015). Collection method: clinical testing. Allele origin: germline.
Comment: This sequence change replaces lysine, which is basic and polar, with threonine, which is neutral and polar, at codon 383 of the ALK protein (p.Lys383Thr). This variant is not present in population databases (gnomAD no frequency). This variant has not been reported in the literature in individuals affected with ALK-related conditions. Algorithms developed to predict the effect of missense changes on protein structure and function output the following: SIFT: "Deleterious"; PolyPhen-2: "Benign"; Align-GVGD: "Class C0". The threonine amino acid residue is found in multiple mammalian species, which suggests that this missense change does not adversely affect protein function. In summary, the available evidence is currently insufficient to determine the role of this variant in disease. Therefore, it has been classified as a Variant of Uncertain Significance.

NM_004304.5(ALK):c.1148A>C (p.Lys383Thr)

Gene: ALK (ALK receptor tyrosine kinase; minus strand). Cytogenetic location: 2p23.2.
Variant type: single nucleotide variant.
Coding change: c.1148A>C on transcript NM_004304.5 (MANE Select); coding-DNA position 1148, A replaced by C.
Protein change: p.Lys383Thr; replaces lysine 383 with threonine.
Molecular consequence: missense variant.
Genome position (GRCh38, 1-based): chr2:29,531,921, T>G on the plus strand (A>C on the coding strand, the complement: ALK is on the minus strand). VCF-style: chr2-29531921-T-G. GRCh37 (hg19) VCF-style: chr2-29754787-T-G.
Other names: c.1148A>C (NM_004304.4); short protein forms K383T.
Identifiers: ClinVar variation 2918434 (VCV002918434.4), dbSNP rs140928266, ClinGen allele CA346587175.
Genomic context (GRCh38, chr2:29,531,921, plus strand): 5'-CAAAAGCCAAATCACCTGGTATAAAATCAATTTTGGACATGGAGAAGTACTTACCCATGC[T>G]TCCCTGGAGTGGGCATCAGGAGGATCTCTCTTGCAGCCTCGTTGTGGGGCAGCAGCTGGG-3'
Protein context (NP_004295.2, residues 373-393): REILLMPTPG[Lys383Thr]HGWTVLQGRI